The following is an entry in ClinVar:

NM_017565.4(FAM20A):c.758A>G (p.Tyr253Cys)

Genes: FAM20A (FAM20A golgi associated secretory pathway pseudokinase; minus strand), PRKAR1A (protein kinase cAMP-dependent type I regulatory subunit alpha; plus strand). Cytogenetic location: 17q24.2.
Variant type: single nucleotide variant.
Coding change: c.758A>G on transcript NM_017565.4 (MANE Select); coding-DNA position 758, A replaced by G.
Protein change: p.Tyr253Cys; replaces tyrosine 253 with cysteine.
Genome position (GRCh38, 1-based): chr17:68,543,683, T>C on the plus strand (A>G on the coding strand, the complement: FAM20A is on the minus strand). VCF-style: chr17-68543683-T-C. GRCh37 (hg19) VCF-style: chr17-66539824-T-C.
Other names: c.344A>G, p.Tyr115Cys (NM_001243746.2); c.974-7401T>C (NM_001276290.1); short protein forms Y115C, Y253C.
Identifiers: ClinVar variation 1691824 (VCV001691824.2), dbSNP rs2143526006, ClinGen allele CA400759444.
Genomic context (GRCh38, chr17:68,543,683, plus strand): 5'-CCCTACCTGTCCAGATGGAAAGCTGCGATCTCAGCATTGTGTCTCTGAAAGTCAATGAAG[T>C]AGAAGAAGTCCACTGGTGTCTCCTCATCTCGCTGCTGTCTGGAAGGAAGGAAGGAATCAC-3'
Protein context (NP_060035.2, residues 243-263): RDEETPVDFF[Tyr253Cys]FIDFQRHNAE

ClinVar aggregate classification (germline): Likely pathogenic (1 of 4 stars; one submission).

Conditions:
Amelogenesis imperfecta type 1G (AI1G). Also called: ENAMEL-RENAL-GINGIVAL SYNDROME; AMELOGENESIS IMPERFECTA, HYPOPLASTIC, WITH NEPHROCALCINOSIS; AMELOGENESIS IMPERFECTA, TYPE IG; AMELOGENESIS IMPERFECTA, HYPOPLASTIC, AND NEPHROCALCINOSIS; Amelogenesis imperfecta-gingival hyperplasia syndrome; Amelogenesis imperfecta hypoplastic type, IG. Identifiers: Orphanet 1031, Orphanet 171836, MedGen C2931783, MONDO:0008771, OMIM 204690. Disease mechanism: loss of function.

Allele frequency attached by ClinVar (database versions not stated): gnomAD exomes below 0.00001.
gnomAD v4.1: 2 of 1,614,046 alleles (0.00012%); highest among the groups gnomAD compares: Non-Finnish European, 0.000085%; no homozygotes.

Submission:

Center of Excellence in Precision Medicine and Digital Health (CEPMDH), Faculty of Dentistry, Chulalongkorn University
Classification: Likely pathogenic for Amelogenesis imperfecta type 1G. Review status: criteria provided, single submitter. Criteria: ACMG Guidelines, 2015. Collection method: clinical testing. Allele origin: paternal, germline. Inheritance: Autosomal recessive inheritance. Affected: yes and no. Observed: 2 variant alleles, 1 heterozygote, 1 compound heterozygote.

Literature cited by the submitters: PubMed 32246227.